The following is an entry in ClinVar:

NM_177438.3(DICER1):c.2651-3A>T

Gene: DICER1 (dicer 1, ribonuclease III; minus strand). Cytogenetic location: 14q32.13.
Variant type: single nucleotide variant.
Coding change: c.2651-3A>T on transcript NM_177438.3 (MANE Select); 3 bases into the intron before coding-DNA position 2651, A replaced by T.
Molecular consequence: intron variant.
Genome position (GRCh38, 1-based): chr14:95,107,764, T>A on the plus strand (A>T on the coding strand, the complement: DICER1 is on the minus strand). VCF-style: chr14-95107764-T-A. GRCh37 (hg19) VCF-style: chr14-95574101-T-A.
Other names: c.2651-3A>T (NM_001291628.2, NM_030621.4, NM_001395677.1 and 12 more transcripts); c.2246-3A>T (NM_001395690.1, NM_001395687.1, NM_001395689.1 and 2 more transcripts); c.2369-3A>T (NM_001395686.1); c.2084-3A>T (NM_001395691.1); c.968-3A>T (NM_001395697.1).
Identifiers: ClinVar variation 2566176 (VCV002566176.3), dbSNP rs764440752, ClinGen allele CA7331197.

ClinVar aggregate classification (germline): Uncertain significance. Review status: criteria provided, multiple submitters, no conflicts (2 of 4 stars). 2 submissions from 2 submitters: Uncertain significance (2). Last evaluated 2025-09-19.

Conditions:
DICER1-related tumor predisposition. Also called: DICER1 syndrome; DICER1-related pleuropulmonary blastoma cancer predisposition syndrome. Identifiers: Orphanet 284343, MedGen C3839822, MONDO:0100216.
Hereditary cancer-predisposing syndrome. Also called: Neoplastic Syndromes, Hereditary; Hereditary Cancer Syndrome; Tumor predisposition; Hereditary neoplastic syndrome. Identifiers: Orphanet 140162, MedGen C0027672, MeSH D009386, MONDO:0015356.

Allele frequency attached by ClinVar (database versions not stated): gnomAD 0.00001; ExAC 0.00002.

Submissions (2):

Labcorp Genetics (formerly Invitae), Labcorp
Classification: Uncertain significance for DICER1-related tumor predisposition. Last evaluated: 2025-09-19. Review status: criteria provided, single submitter. Criteria: Invitae Variant Classification Sherloc (09022015). Collection method: clinical testing. Allele origin: germline.
Comment: This sequence change falls in intron 16 of the DICER1 gene. It does not directly change the encoded amino acid sequence of the DICER1 protein. It affects a nucleotide within the consensus splice site. This variant is present in population databases (rs764440752, gnomAD 0.009%). This variant has not been reported in the literature in individuals affected with DICER1-related conditions. ClinVar contains an entry for this variant (Variation ID: 2566176). Variants that disrupt the consensus splice site are a relatively common cause of aberrant splicing (PMID: 17576681, 9536098). Algorithms developed to predict the effect of sequence changes on RNA splicing suggest that this variant is not likely to affect RNA splicing. In summary, the available evidence is currently insufficient to determine the role of this variant in disease. Therefore, it has been classified as a Variant of Uncertain Significance.

Ambry Genetics
Classification: Uncertain significance for Hereditary cancer-predisposing syndrome. Last evaluated: 2023-05-03. Review status: criteria provided, single submitter. Criteria: Ambry Variant Classification Scheme 2023. Collection method: clinical testing. Allele origin: germline.
Comment: The c.2651-3A>T intronic variant results from an A to T substitution 3 nucleotides upstream from coding exon 16 in the DICER1 gene. This nucleotide position is well conserved in available vertebrate species. In silico splice site analysis predicts that this alteration will not have any significant effect on splicing. Since supporting evidence is limited at this time, the clinical significance of this alteration remains unclear.

Literature cited by the submitters: PubMed 17576681 (cited by Labcorp Genetics (formerly Invitae), Labcorp); PubMed 9536098 (cited by Labcorp Genetics (formerly Invitae), Labcorp).